The following is an entry in ClinVar:

NM_001378120.1(MBD5):c.467T>C (p.Ile156Thr)

Gene: MBD5 (methyl-CpG binding domain protein 5; plus strand). Cytogenetic location: 2q23.1.
Variant type: single nucleotide variant.
Coding change: c.467T>C on transcript NM_001378120.1 (MANE Select); coding-DNA position 467, T replaced by C.
Protein change: p.Ile156Thr; replaces isoleucine 156 with threonine.
Molecular consequence: missense variant.
Genome position (GRCh38, 1-based): chr2:148,468,410, T>C. VCF-style: chr2-148468410-T-C. GRCh37 (hg19) VCF-style: chr2-149225979-T-C.
Other names: c.467T>C (NM_018328.4); c.467T>C, p.Ile156Thr (NM_018328.5); short protein forms I156T.
Identifiers: ClinVar variation 1015066 (VCV001015066.12), dbSNP rs1465957655, ClinGen allele CA348716852.

ClinVar aggregate classification (germline): Uncertain significance. Review status: criteria provided, multiple submitters, no conflicts (2 of 4 stars). 3 submissions from 3 submitters: Uncertain significance (3). Last evaluated 2026-05-01.

Conditions:
Inborn genetic diseases. Identifiers: MedGen C0950123, MeSH D030342.
Intellectual developmental disorder, autosomal dominant 1. Also called: Intellectual disability, autosomal dominant 1; MBD5 Haploinsufficiency. Identifiers: Orphanet 228402, MedGen C1969562, MONDO:0007974, OMIM 156200.

Allele frequency attached by ClinVar (database versions not stated): gnomAD exomes below 0.00001.
gnomAD v4.1: 2 of 1,613,746 alleles (0.00012%); highest among the groups gnomAD compares: Admixed American, 0.0033%; no homozygotes.

Submissions (3):

CeGaT Center for Human Genetics Tuebingen
Classification: Uncertain significance. Last evaluated: 2026-05-01. Review status: criteria provided, single submitter. Criteria: CeGaT Center For Human Genetics Tuebingen Variant Classification Criteria Version 2. Collection method: clinical testing. Allele origin: germline. Affected: yes. Observed: 1 variant allele.
Comment: MBD5: PM2:Supporting

Ambry Genetics
Classification: Uncertain significance for Inborn genetic diseases. Last evaluated: 2025-05-29. Review status: criteria provided, single submitter. Criteria: Ambry Variant Classification Scheme 2023. Collection method: clinical testing. Allele origin: germline.

Labcorp Genetics (formerly Invitae), Labcorp
Classification: Uncertain significance for Intellectual developmental disorder, autosomal dominant 1. Last evaluated: 2023-07-27. Review status: criteria provided, single submitter. Criteria: Invitae Variant Classification Sherloc (09022015). Collection method: clinical testing. Allele origin: germline.
Comment: Advanced modeling of protein sequence and biophysical properties (such as structural, functional, and spatial information, amino acid conservation, physicochemical variation, residue mobility, and thermodynamic stability) performed at Invitae indicates that this missense variant is not expected to disrupt MBD5 protein function. In summary, the available evidence is currently insufficient to determine the role of this variant in disease. Therefore, it has been classified as a Variant of Uncertain Significance. ClinVar contains an entry for this variant (Variation ID: 1015066). This variant has not been reported in the literature in individuals affected with MBD5-related conditions. This variant is present in population databases (no rsID available, gnomAD 0.003%). This sequence change replaces isoleucine, which is neutral and non-polar, with threonine, which is neutral and polar, at codon 156 of the MBD5 protein (p.Ile156Thr).